The following is an entry in ClinVar:

ClinVar aggregate classification (germline): Uncertain significance (1 of 4 stars; one submission).

Conditions:
Neurodevelopmental disorder with microcephaly, seizures, and cortical atrophy. Identifiers: MedGen C4540493, MONDO:0060621, OMIM 617802.

Submission:

Baylor Genetics
Classification: Uncertain significance for Neurodevelopmental disorder with microcephaly, seizures, and cortical atrophy. Last evaluated: 2018-02-06. Review status: criteria provided, single submitter. Criteria: ACMG Guidelines, 2015. Collection method: clinical testing. Allele origin: maternal. Affected: yes.
Comment: This variant was determined to be of uncertain significance according to ACMG Guidelines, 2015 [PMID:25741868].

NM_006295.3(VARS1):c.2735C>A (p.Ala912Glu)

Gene: VARS1 (valyl-tRNA synthetase 1; minus strand). Cytogenetic location: 6p21.33.
Variant type: single nucleotide variant.
Coding change: c.2735C>A on transcript NM_006295.3 (MANE Select); coding-DNA position 2735, C replaced by A.
Protein change: p.Ala912Glu; replaces alanine 912 with glutamic acid.
Molecular consequence: missense variant.
Genome position (GRCh38, 1-based): chr6:31,780,767, G>T on the plus strand (C>A on the coding strand, the complement: VARS1 is on the minus strand). VCF-style: chr6-31780767-G-T. GRCh37 (hg19) VCF-style: chr6-31748544-G-T.
Other names: short protein forms A912E.
Identifiers: ClinVar variation 1031623 (VCV001031623.1), dbSNP rs144311815, ClinGen allele CA363444773.
Genomic context (GRCh38, chr6:31,780,767, plus strand): 5'-TGGGACATGTAGGCACATAATCCAAACCGGAGAGCATCGGTGCCACATTCAGGAATCCCC[G>T]CTGGGAAGTCAGCTTTCTACAGGGAAGAGGCAGGGGGAGGAGCGTCCTCAGCCAGCCCCA-3'
Protein context (NP_006286.1, residues 902-922): AKEGQKADFP[Ala912Glu]GIPECGTDAL